The following is an entry in ClinVar:

NM_203447.4(DOCK8):c.2470G>A (p.Val824Met)

Gene: DOCK8 (dedicator of cytokinesis 8; plus strand). Cytogenetic location: 9p24.3.
Variant type: single nucleotide variant.
Coding change: c.2470G>A on transcript NM_203447.4 (MANE Select); coding-DNA position 2470, G replaced by A.
Protein change: p.Val824Met; replaces valine 824 with methionine.
Molecular consequence: missense variant.
Genome position (GRCh38, 1-based): chr9:379,800, G>A. VCF-style: chr9-379800-G-A. GRCh37 (hg19) VCF-style: chr9-379800-G-A.
Other names: c.2266G>A, p.Val756Met (NM_001190458.2, NM_001193536.2); short protein forms V756M, V824M.
Identifiers: ClinVar variation 942070 (VCV000942070.11), dbSNP rs746434765, ClinGen allele CA4958211.
Genomic context (GRCh38, chr9:379,800, plus strand): 5'-GGGACTACCCATTTTTCTCTTGGTTCCTCAGCCAACTTCTCCCAGTTTGCCTTCGAGTCC[G>A]TGGTGGCCATCGCCAACAGTCTGCACAACAGCAAGGACCTGAGCAAGGACCAGCATGGGA-3'
Protein context (NP_982272.2, residues 814-834): ANFSQFAFES[Val824Met]VAIANSLHNS

ClinVar aggregate classification (germline): Uncertain significance. Review status: criteria provided, multiple submitters, no conflicts (2 of 4 stars). 2 submissions from 2 submitters: Uncertain significance (2). Last evaluated 2025-08-06.

Conditions:
Inborn genetic diseases. Identifiers: MedGen C0950123, MeSH D030342.
Combined immunodeficiency due to DOCK8 deficiency (HIES2). Also called: HIES autosomal recessive; DOCK8 Deficiency; Hyper-IgE recurrent infection syndrome, autosomal recessive; HYPER-IgE RECURRENT INFECTION SYNDROME 2, AUTOSOMAL RECESSIVE; HYPER-IgE SYNDROME 2, AUTOSOMAL RECESSIVE, WITH RECURRENT INFECTIONS. Identifiers: Orphanet 217390, MedGen C4722305, MONDO:0009478, OMIM 243700.

Allele frequency attached by ClinVar (database versions not stated): ExAC 0.00001; gnomAD exomes 0.00002; TOPMed 0.00002.
gnomAD v4.1: 24 of 1,614,052 alleles (0.0015%); highest among the groups gnomAD compares: South Asian, 0.0066%; no homozygotes.

Submissions (2):

Ambry Genetics
Classification: Uncertain significance for Inborn genetic diseases. Last evaluated: 2025-08-06. Review status: criteria provided, single submitter. Criteria: Ambry Variant Classification Scheme 2023. Collection method: clinical testing. Allele origin: germline.

Labcorp Genetics (formerly Invitae), Labcorp
Classification: Uncertain significance for Combined immunodeficiency due to DOCK8 deficiency. Last evaluated: 2019-05-14. Review status: criteria provided, single submitter. Criteria: Invitae Variant Classification Sherloc (09022015). Collection method: clinical testing. Allele origin: germline.
Comment: In summary, the available evidence is currently insufficient to determine the role of this variant in disease. Therefore, it has been classified as a Variant of Uncertain Significance. Algorithms developed to predict the effect of missense changes on protein structure and function are either unavailable or do not agree on the potential impact of this missense change (SIFT: "Deleterious"; PolyPhen-2: "Probably Damaging"; Align-GVGD: "Class C0"). This variant has not been reported in the literature in individuals with DOCK8-related conditions. This variant is present in population databases (rs746434765, ExAC 0.006%). This sequence change replaces valine with methionine at codon 824 of the DOCK8 protein (p.Val824Met). The valine residue is highly conserved and there is a small physicochemical difference between valine and methionine.